The following is an entry in ClinVar:

NM_020771.4(HACE1):c.221+13A>G

Gene: HACE1 (HECT domain and ankyrin repeat containing E3 ubiquitin protein ligase 1; minus strand). Cytogenetic location: 6q16.3.
Variant type: single nucleotide variant.
Coding change: c.221+13A>G on transcript NM_020771.4 (MANE Select); 13 bases into the intron after coding-DNA position 221, A replaced by G.
Molecular consequence: intron variant.
Genome position (GRCh38, 1-based): chr6:104,850,894, T>C on the plus strand (A>G on the coding strand, the complement: HACE1 is on the minus strand). VCF-style: chr6-104850894-T-C. GRCh37 (hg19) VCF-style: chr6-105298769-T-C.
Other names: c.221+13A>G (NM_001350555.2, NM_001321080.2); c.-355+13A>G (NM_001350560.2); c.-125+13A>G (NM_001350557.2); c.-190+13A>G (NM_001350556.2); c.-147+13A>G (NM_001350559.2); c.-201+13A>G (NM_001350558.2, NM_001321084.2); c.119+13A>G (NM_001350554.2, NM_001321083.2).
Identifiers: ClinVar variation 1968145 (VCV001968145.3), dbSNP rs1776138190, ClinGen allele CA1652691131.

ClinVar aggregate classification (germline): Uncertain significance (1 of 4 stars; one submission).

Submission:

Labcorp Genetics (formerly Invitae), Labcorp
Classification: Uncertain significance. Last evaluated: 2022-05-21. Review status: criteria provided, single submitter. Criteria: Invitae Variant Classification Sherloc (09022015). Collection method: clinical testing. Allele origin: germline.
Comment: In summary, the available evidence is currently insufficient to determine the role of this variant in disease. Therefore, it has been classified as a Variant of Uncertain Significance. This variant has not been reported in the literature in individuals affected with HACE1-related conditions. Algorithms developed to predict the effect of sequence changes on RNA splicing suggest that this variant may create or strengthen a splice site. This variant is not present in population databases (gnomAD no frequency). This sequence change falls in intron 3 of the HACE1 gene. It does not directly change the encoded amino acid sequence of the HACE1 protein.